The following is an entry in ClinVar:

NM_005559.4(LAMA1):c.3617C>T (p.Ala1206Val)

Gene: LAMA1 (laminin subunit alpha 1; minus strand). Cytogenetic location: 18p11.31.
Variant type: single nucleotide variant.
Coding change: c.3617C>T on transcript NM_005559.4 (MANE Select); coding-DNA position 3617, C replaced by T.
Protein change: p.Ala1206Val; replaces alanine 1206 with valine.
Molecular consequence: missense variant.
Genome position (GRCh38, 1-based): chr18:7,011,370, G>A on the plus strand (C>T on the coding strand, the complement: LAMA1 is on the minus strand). VCF-style: chr18-7011370-G-A. GRCh37 (hg19) VCF-style: chr18-7011369-G-A.
Other names: c.3617C>T (NM_005559.3); short protein forms A1206V.
Identifiers: ClinVar variation 1504017 (VCV001504017.6), dbSNP rs372946104, ClinGen allele CA8882221.

ClinVar aggregate classification (germline): Uncertain significance. Review status: criteria provided, multiple submitters, no conflicts (2 of 4 stars). 2 submissions from 2 submitters: Uncertain significance (2). Last evaluated 2023-08-02.

Conditions:
LAMA1-related disorder. Also called: LAMA1-related condition; LAMA1-related disorders.

gnomAD v4.1: 72 of 1,611,642 alleles (0.0045%); highest among the groups gnomAD compares: Non-Finnish European, 0.0051%; no homozygotes.

Submissions (2):

PreventionGenetics, part of Exact Sciences
Classification: Uncertain significance for LAMA1-related condition. Last evaluated: 2023-08-02. Review status: criteria provided, single submitter. Criteria: ACMG Guidelines, 2015. Collection method: clinical testing. Allele origin: germline.
Comment: The LAMA1 c.3617C>T variant is predicted to result in the amino acid substitution p.Ala1206Val. To our knowledge, this variant has not been reported in the literature. This variant is reported in 0.049% of alleles in individuals of Ashkenazi Jewish descent in gnomAD. At this time, the clinical significance of this variant is uncertain due to the absence of conclusive functional and genetic evidence.

Labcorp Genetics (formerly Invitae), Labcorp
Classification: Uncertain significance. Last evaluated: 2021-04-29. Review status: criteria provided, single submitter. Criteria: Invitae Variant Classification Sherloc (09022015). Collection method: clinical testing. Allele origin: germline.
Comment: Algorithms developed to predict the effect of missense changes on protein structure and function output the following: SIFT: "Tolerated"; PolyPhen-2: "Benign"; Align-GVGD: "Class C0". The valine amino acid residue is found in multiple mammalian species, suggesting that this missense change does not adversely affect protein function. These predictions have not been confirmed by published functional studies and their clinical significance is uncertain. This variant has not been reported in the literature in individuals with LAMA1-related conditions. This variant is present in population databases (rs372946104, ExAC 0.02%). This sequence change replaces alanine with valine at codon 1206 of the LAMA1 protein (p.Ala1206Val). The alanine residue is weakly conserved and there is a small physicochemical difference between alanine and valine. In summary, the available evidence is currently insufficient to determine the role of this variant in disease. Therefore, it has been classified as a Variant of Uncertain Significance.